The following is an entry in ClinVar:

NM_000038.6(APC):c.4558G>T (p.Val1520Leu)

Gene: APC (APC regulator of Wnt signaling pathway; plus strand). Cytogenetic location: 5q22.2.
Variant type: single nucleotide variant.
Coding change: c.4558G>T on transcript NM_000038.6 (MANE Select); coding-DNA position 4558, G replaced by T.
Protein change: p.Val1520Leu; replaces valine 1520 with leucine.
Molecular consequence: missense variant. On other transcripts: non-coding transcript variant (2).
Genome position (GRCh38, 1-based): chr5:112,840,152, G>T. VCF-style: chr5-112840152-G-T. GRCh37 (hg19) VCF-style: chr5-112175849-G-T.
Other names: c.4558G>T, p.Val1520Leu (NM_001127510.3, NM_001354895.2, NM_001407450.1); c.4504G>T, p.Val1502Leu (NM_001127511.3); c.4612G>T, p.Val1538Leu (NM_001354896.2, NM_001407447.1, NM_001407448.1 and 1 more transcripts); c.4588G>T, p.Val1530Leu (NM_001354897.2); c.4483G>T, p.Val1495Leu (NM_001354898.2); c.4474G>T, p.Val1492Leu (NM_001354899.2); c.4435G>T, p.Val1479Leu (NM_001354900.2); c.4381G>T, p.Val1461Leu (NM_001354901.2, NM_001407453.1); and 11 more; short protein forms V1360L, V1429L, V1479L, V1495L, V1510L, V1530L, V1548L, V1136L.
Identifiers: ClinVar variation 3635467 (VCV003635467.2).
Genomic context (GRCh38, chr5:112,840,152, plus strand): 5'-TTTTCTTGTTCATCCAGCCTGAGTGCTCTGAGCCTCGATGAGCCATTTATACAGAAAGAT[G>T]TGGAATTAAGAATAATGCCTCCAGTTCAGGAAAATGACAATGGGAATGAAACAGAATCAG-3'
Protein context (NP_000029.2, residues 1510-1530): SLDEPFIQKD[Val1520Leu]ELRIMPPVQE

ClinVar aggregate classification (germline): Uncertain significance (1 of 4 stars; one submission).

Conditions:
Familial adenomatous polyposis 1 (FAP1). Also called: FAMILIAL ADENOMATOUS POLYPOSIS 1, ATTENUATED; POLYPOSIS, ADENOMATOUS INTESTINAL. Identifiers: MedGen C2713442, MONDO:0021056, OMIM 175100. Disease mechanism: loss of function.

Submission:

Labcorp Genetics (formerly Invitae), Labcorp
Classification: Uncertain significance for Familial adenomatous polyposis 1. Last evaluated: 2024-11-26. Review status: criteria provided, single submitter. Criteria: Invitae Variant Classification Sherloc (09022015). Collection method: clinical testing. Allele origin: germline.
Comment: This sequence change replaces valine, which is neutral and non-polar, with leucine, which is neutral and non-polar, at codon 1520 of the APC protein (p.Val1520Leu). This variant is not present in population databases (gnomAD no frequency). This variant has not been reported in the literature in individuals affected with APC-related conditions. Invitae Evidence Modeling of protein sequence and biophysical properties (such as structural, functional, and spatial information, amino acid conservation, physicochemical variation, residue mobility, and thermodynamic stability) indicates that this missense variant is not expected to disrupt APC protein function with a negative predictive value of 95%. In summary, the available evidence is currently insufficient to determine the role of this variant in disease. Therefore, it has been classified as a Variant of Uncertain Significance.